The following is an entry in ClinVar:

NM_001374353.1(GLI2):c.4552C>T (p.His1518Tyr)

Gene: GLI2 (GLI family zinc finger 2; plus strand). Cytogenetic location: 2q14.2.
Variant type: single nucleotide variant.
Coding change: c.4552C>T on transcript NM_001374353.1 (MANE Select); coding-DNA position 4552, C replaced by T.
Protein change: p.His1518Tyr; replaces histidine 1518 with tyrosine.
Molecular consequence: missense variant.
Genome position (GRCh38, 1-based): chr2:120,990,517, C>T. VCF-style: chr2-120990517-C-T. GRCh37 (hg19) VCF-style: chr2-121748093-C-T.
Other names: c.4603C>T, p.His1535Tyr (NM_001371271.1, NM_005270.5); c.4177C>T, p.His1393Tyr (NM_001374354.1); short protein forms H1393Y, H1518Y, H1535Y.
Identifiers: ClinVar variation 1994771 (VCV001994771.4), dbSNP rs1443181771, ClinGen allele CA348180081.
Genomic context (GRCh38, chr2:120,990,517, plus strand): 5'-ATCATGGATGATGGCGATCACTCGAGTTTGTTCTCGGGTGCTCTGAGCCCCAGCCTCCTC[C>T]ACAGCCTCTCCCAGAACTCCTCCCGCCTCACCACCCCCCGAAACTCCTTGACCCTGCCCT-3'
Protein context (NP_001361282.1, residues 1508-1528): FSGALSPSLL[His1518Tyr]SLSQNSSRLT

ClinVar aggregate classification (germline): Uncertain significance (1 of 4 stars; one submission).

Conditions:
Holoprosencephaly 9 (HPE9). Also called: HOLOPROSENCEPHALY WITH MICROPHTHALMIA AND FIRST BRANCHIAL ARCH ANOMALIES; PITUITARY ANOMALIES WITH HOLOPROSENCEPHALY-LIKE FEATURES. Identifiers: Orphanet 2162, MedGen C1835819, MONDO:0012563, OMIM 610829.
Postaxial polydactyly-anterior pituitary anomalies-facial dysmorphism syndrome. Also called: Culler-Jones syndrome. Identifiers: Orphanet 420584, MedGen C4014479, MONDO:0014369, OMIM 615849.

Allele frequency attached by ClinVar (database versions not stated): gnomAD exomes below 0.00001.
gnomAD v4.1: 1 of 1,614,138 alleles (0.000062%); highest among the groups gnomAD compares: Non-Finnish European, 0.000085%; no homozygotes.

Submission:

Labcorp Genetics (formerly Invitae), Labcorp
Classification: Uncertain significance for Postaxial polydactyly-anterior pituitary anomalies-facial dysmorphism syndrome; Holoprosencephaly 9. Last evaluated: 2024-10-22. Review status: criteria provided, single submitter. Criteria: Invitae Variant Classification Sherloc (09022015). Collection method: clinical testing. Allele origin: germline.
Comment: This sequence change replaces histidine, which is basic and polar, with tyrosine, which is neutral and polar, at codon 1535 of the GLI2 protein (p.His1535Tyr). This variant is present in population databases (no rsID available, gnomAD 0.0009%). This variant has not been reported in the literature in individuals affected with GLI2-related conditions. ClinVar contains an entry for this variant (Variation ID: 1994771). Invitae Evidence Modeling of protein sequence and biophysical properties (such as structural, functional, and spatial information, amino acid conservation, physicochemical variation, residue mobility, and thermodynamic stability) indicates that this missense variant is expected to disrupt GLI2 protein function with a positive predictive value of 80%. In summary, the available evidence is currently insufficient to determine the role of this variant in disease. Therefore, it has been classified as a Variant of Uncertain Significance.